The following is an entry in ClinVar:

NM_001127222.2(CACNA1A):c.264A>C (p.Arg88Ser)

Gene: CACNA1A (calcium voltage-gated channel subunit alpha1 A; minus strand). Cytogenetic location: 19p13.13.
Variant type: single nucleotide variant.
Coding change: c.264A>C on transcript NM_001127222.2 (MANE Select); coding-DNA position 264, A replaced by C.
Protein change: p.Arg88Ser; replaces arginine 88 with serine.
Molecular consequence: missense variant.
Genome position (GRCh38, 1-based): chr19:13,505,961, T>G on the plus strand (A>C on the coding strand, the complement: CACNA1A is on the minus strand). VCF-style: chr19-13505961-T-G. GRCh37 (hg19) VCF-style: chr19-13616775-T-G.
Other names: c.264A>C, p.Arg88Ser (NM_000068.4, NM_001127221.2, NM_001174080.2 and 1 more transcripts); short protein forms R88S.
Identifiers: ClinVar variation 2631009 (VCV002631009.1), dbSNP rs2513708594, ClinGen allele CA404970846.

ClinVar aggregate classification (germline): Uncertain significance (1 of 4 stars; one submission).

Conditions:
CACNA1A-related disorder. Also called: CACNA1A-related condition.

Submission:

PreventionGenetics, part of Exact Sciences
Classification: Uncertain significance for CACNA1A-related condition. Last evaluated: 2023-09-18. Review status: criteria provided, single submitter. Criteria: ACMG Guidelines, 2015. Collection method: clinical testing. Allele origin: germline.
Comment: The CACNA1A c.264A>C variant is predicted to result in the amino acid substitution p.Arg88Ser. To our knowledge, this variant has not been reported in the literature or in a large population database, indicating this variant is rare. At this time, the clinical significance of this variant is uncertain due to the absence of conclusive functional and genetic evidence.